The following is an entry in ClinVar:

NM_000350.3(ABCA4):c.1528C>T (p.Leu510Phe)

Gene: ABCA4 (ATP binding cassette subfamily A member 4; minus strand). Cytogenetic location: 1p22.1.
Variant type: single nucleotide variant.
Coding change: c.1528C>T on transcript NM_000350.3 (MANE Select); coding-DNA position 1528, C replaced by T.
Protein change: p.Leu510Phe; replaces leucine 510 with phenylalanine.
Molecular consequence: missense variant.
Genome position (GRCh38, 1-based): chr1:94,077,716, G>A on the plus strand (C>T on the coding strand, the complement: ABCA4 is on the minus strand). VCF-style: chr1-94077716-G-A. GRCh37 (hg19) VCF-style: chr1-94543272-G-A.
Other names: c.1528C>T, p.Leu510Phe (NM_001425324.1); short protein forms L510F.
Identifiers: ClinVar variation 1494900 (VCV001494900.7), dbSNP rs758584771, ClinGen allele CA341281843.

ClinVar aggregate classification (germline): Uncertain significance. Review status: criteria provided, multiple submitters, no conflicts (2 of 4 stars). 2 submissions from 2 submitters: Uncertain significance (2). Last evaluated 2024-02-24.

Submissions (2):

Labcorp Genetics (formerly Invitae), Labcorp
Classification: Uncertain significance. Last evaluated: 2024-02-24. Review status: criteria provided, single submitter. Criteria: Invitae Variant Classification Sherloc (09022015). Collection method: clinical testing. Allele origin: germline.
Comment: This sequence change replaces leucine, which is neutral and non-polar, with phenylalanine, which is neutral and non-polar, at codon 510 of the ABCA4 protein (p.Leu510Phe). This variant is not present in population databases (gnomAD no frequency). This variant has not been reported in the literature in individuals affected with ABCA4-related conditions. ClinVar contains an entry for this variant (Variation ID: 1494900). Advanced modeling of protein sequence and biophysical properties (such as structural, functional, and spatial information, amino acid conservation, physicochemical variation, residue mobility, and thermodynamic stability) has been performed at Invitae for this missense variant, however the output from this modeling did not meet the statistical confidence thresholds required to predict the impact of this variant on ABCA4 protein function. This variant disrupts the p.Leu510 amino acid residue in ABCA4. Other variant(s) that disrupt this residue have been determined to be pathogenic (PMID: 29925512; Invitae). This suggests that this residue is clinically significant, and that variants that disrupt this residue are likely to be disease-causing. In summary, the available evidence is currently insufficient to determine the role of this variant in disease. Therefore, it has been classified as a Variant of Uncertain Significance.

Blueprint Genetics
Classification: Uncertain significance. Last evaluated: 2021-07-07. Review status: criteria provided, single submitter. Criteria: ACMG Guidelines, 2015. Collection method: clinical testing. Allele origin: germline.

Literature cited by the submitters: PubMed 29925512 (cited by Labcorp Genetics (formerly Invitae), Labcorp).